The following is an entry in ClinVar:

ClinVar aggregate classification (germline): Pathogenic (1 of 4 stars; one submission).

Conditions:
Duchenne muscular dystrophy (DMD). Also called: MUSCULAR DYSTROPHY, PSEUDOHYPERTROPHIC PROGRESSIVE, DUCHENNE TYPE; Duchenne Muscular Dystrophy (DMD). Identifiers: Orphanet 98896, MedGen C0013264, MONDO:0010679, OMIM 310200.

Submission:

Labcorp Genetics (formerly Invitae), Labcorp
Classification: Pathogenic for Duchenne muscular dystrophy. Last evaluated: 2018-04-16. Review status: criteria provided, single submitter. Criteria: Invitae Variant Classification Sherloc (09022015). Collection method: clinical testing. Allele origin: germline.
Comment: This variant is an out-of-frame deletion of the genomic region encompassing exons 48-50 of the DMD gene. This creates a premature translational stop signal and is expected to result in an absent or disrupted protein product. This deletion has been reported in many individuals affected with Duchenne muscular dystrophy (PMID: 10392746, 9800909, 16917894). Loss-of-function variants in DMD are known to be pathogenic (PMID: 16770791, 25007885). For these reasons, this variant has been classified as Pathogenic.

Literature cited by the submitters: PubMed 10392746; PubMed 16917894; PubMed 9800909.

NC_000023.10:g.(?_31838072)_(31893510_?)del

Gene: DMD (dystrophin; minus strand). Cytogenetic location: Xp21.1.
Variant type: Deletion.
Identifiers: ClinVar variation 455814 (VCV000455814.1).